The following is an entry in ClinVar:

NM_006073.4(TRDN):c.790A>G (p.Lys264Glu)

Gene: TRDN (triadin; minus strand). Cytogenetic location: 6q22.31.
Variant type: single nucleotide variant.
Coding change: c.790A>G on transcript NM_006073.4 (MANE Select); coding-DNA position 790, A replaced by G.
Protein change: p.Lys264Glu; replaces lysine 264 with glutamic acid.
Molecular consequence: missense variant.
Genome position (GRCh38, 1-based): chr6:123,503,722, T>C on the plus strand (A>G on the coding strand, the complement: TRDN is on the minus strand). VCF-style: chr6-123503722-T-C. GRCh37 (hg19) VCF-style: chr6-123824867-T-C.
Other names: c.790A>G, p.Lys264Glu (NM_001251987.2, NM_001256020.2, NM_001256021.2); short protein forms K264E.
Identifiers: ClinVar variation 1392372 (VCV001392372.6), dbSNP rs574484615, ClinGen allele CA3984295.

ClinVar aggregate classification (germline): Uncertain significance (1 of 4 stars; one submission).

Conditions:
Catecholaminergic polymorphic ventricular tachycardia 1. Also called: VENTRICULAR TACHYCARDIA, CATECHOLAMINERGIC POLYMORPHIC, 1, WITH OR WITHOUT ATRIAL DYSFUNCTION AND/OR DILATED CARDIOMYOPATHY; VENTRICULAR TACHYCARDIA, STRESS-INDUCED POLYMORPHIC 1; RYR2-Related Catecholaminergic Polymorphic Ventricular Tachycardia. Identifiers: Orphanet 3286, MedGen C1631597, MONDO:0011484, OMIM 604772.

Allele frequency attached by ClinVar (database versions not stated): gnomAD exomes below 0.00001; TOPMed below 0.00001; ExAC 0.00001; gnomAD 0.00001; 1000 Genomes Project 30x 0.00016; 1000 Genomes Project 0.00020.
gnomAD v4.1: 1 of 1,613,752 alleles (0.000062%); highest among the groups gnomAD compares: African/African-American, 0.0013%; no homozygotes.

Submission:

Labcorp Genetics (formerly Invitae), Labcorp
Classification: Uncertain significance for Catecholaminergic polymorphic ventricular tachycardia 1. Last evaluated: 2021-08-24. Review status: criteria provided, single submitter. Criteria: Invitae Variant Classification Sherloc (09022015). Collection method: clinical testing. Allele origin: germline.
Comment: This sequence change replaces lysine with glutamic acid at codon 264 of the TRDN protein (p.Lys264Glu). The lysine residue is moderately conserved and there is a small physicochemical difference between lysine and glutamic acid. This variant is present in population databases (rs574484615, ExAC 0.01%). This variant has not been reported in the literature in individuals affected with TRDN-related conditions. Algorithms developed to predict the effect of missense changes on protein structure and function are either unavailable or do not agree on the potential impact of this missense change (SIFT: "Deleterious"; PolyPhen-2: "Probably Damaging"; Align-GVGD: "Class C0"). In summary, the available evidence is currently insufficient to determine the role of this variant in disease. Therefore, it has been classified as a Variant of Uncertain Significance.